The following is an entry in ClinVar:

NM_000212.3(ITGB3):c.*1985T>C

Genes: ITGB3 (integrin subunit beta 3; plus strand), EFCAB13-DT (EFCAB13 divergent transcript; minus strand). Cytogenetic location: 17q21.32.
Variant type: single nucleotide variant.
Coding change: c.*1985T>C on transcript NM_000212.3 (MANE Select); 1985 bases downstream of the stop codon, T replaced by C.
Molecular consequence: 3 prime UTR variant.
Genome position (GRCh38, 1-based): chr17:47,312,189, T>C. VCF-style: chr17-47312189-T-C. GRCh37 (hg19) VCF-style: chr17-45389555-T-C.
Identifiers: ClinVar variation 323903 (VCV000323903.5), dbSNP rs148880380, ClinGen allele CA10639990.

ClinVar aggregate classification (germline): Benign (1 of 4 stars; one submission).

Conditions:
Glanzmann thrombasthenia. Also called: PLATELET GLYCOPROTEIN IIb-IIIa DEFICIENCY; Thrombasthenia; Glanzmann's thrombasthenia; BLEEDING DISORDER, PLATELET-TYPE, 2; THROMBASTHENIA OF GLANZMANN AND NAEGELI. Identifiers: Orphanet 849, MedGen C0040015, MONDO:0100326.

Allele frequency attached by ClinVar (database versions not stated): gnomAD 0.00551 and 0.00583; 1000 Genomes Project 0.00579; TOPMed 0.00632; 1000 Genomes Project 30x 0.00703.
gnomAD v4.1: 833 of 152,350 alleles (0.55%); highest among the groups gnomAD compares: African/African-American, 1.9%; 9 homozygotes.

Submission:

Illumina Laboratory Services, Illumina
Classification: Benign for Glanzmann thrombasthenia 1. Last evaluated: 2018-01-13. Review status: criteria provided, single submitter. Criteria: ICSL Variant Classification Criteria 13 December 2019. Collection method: clinical testing. Allele origin: germline.
Comment: This variant was observed in the ICSL laboratory as part of a predisposition screen in an ostensibly healthy population. It had not been previously curated by ICSL or reported in the Human Gene Mutation Database (HGMD: prior to June 1st, 2018), and was therefore a candidate for classification through an automated scoring system. Utilizing variant allele frequency, disease prevalence and penetrance estimates, and inheritance mode, an automated score was calculated to assess if this variant is too frequent to cause the disease. Based on the score and internal cut-off values, a variant classified as benign is not then subjected to further curation. The score for this variant resulted in a classification of benign for this disease.